The following is an entry in ClinVar:

NM_004984.4(KIF5A):c.472G>A (p.Glu158Lys)

Gene: KIF5A (kinesin family member 5A; plus strand). Cytogenetic location: 12q13.3.
Variant type: single nucleotide variant.
Coding change: c.472G>A on transcript NM_004984.4 (MANE Select); coding-DNA position 472, G replaced by A.
Protein change: p.Glu158Lys; replaces glutamic acid 158 with lysine.
Molecular consequence: missense variant.
Genome position (GRCh38, 1-based): chr12:57,564,944, G>A. VCF-style: chr12-57564944-G-A. GRCh37 (hg19) VCF-style: chr12-57958727-G-A.
Other names: c.205G>A, p.Glu69Lys (NM_001354705.2); short protein forms E158K, E69K.
Identifiers: ClinVar variation 2662502 (VCV002662502.4), dbSNP rs1469562271, ClinGen allele CA385495808.

ClinVar aggregate classification (germline): Uncertain significance. Review status: criteria provided, multiple submitters, no conflicts (2 of 4 stars). 2 submissions from 2 submitters: Uncertain significance (2). Last evaluated 2024-08-31.

Conditions:
Spastic paraplegia. Identifiers: MedGen C0037772, HP:0001258.

Allele frequency attached by ClinVar (database versions not stated): gnomAD exomes below 0.00001; gnomAD 0.00001.

Submissions (2):

Labcorp Genetics (formerly Invitae), Labcorp
Classification: Uncertain significance for Spastic paraplegia. Last evaluated: 2024-08-31. Review status: criteria provided, single submitter. Criteria: Invitae Variant Classification Sherloc (09022015). Collection method: clinical testing. Allele origin: germline.
Comment: This sequence change replaces glutamic acid, which is acidic and polar, with lysine, which is basic and polar, at codon 158 of the KIF5A protein (p.Glu158Lys). This variant is present in population databases (no rsID available, gnomAD 0.01%). This variant has not been reported in the literature in individuals affected with KIF5A-related conditions. ClinVar contains an entry for this variant (Variation ID: 2662502). Invitae Evidence Modeling of protein sequence and biophysical properties (such as structural, functional, and spatial information, amino acid conservation, physicochemical variation, residue mobility, and thermodynamic stability) has been performed for this missense variant. However, the output from this modeling did not meet the statistical confidence thresholds required to predict the impact of this variant on KIF5A protein function. In summary, the available evidence is currently insufficient to determine the role of this variant in disease. Therefore, it has been classified as a Variant of Uncertain Significance.

GeneDx
Classification: Uncertain significance. Last evaluated: 2023-04-05. Review status: criteria provided, single submitter. Criteria: GeneDx Variant Classification Process June 2021. Collection method: clinical testing. Allele origin: germline. Affected: yes.
Comment: In silico analysis supports that this missense variant has a deleterious effect on protein structure/function; Has not been previously published as pathogenic or benign to our knowledge